The following is an entry in ClinVar:

ClinVar aggregate classification (germline): Uncertain significance. Review status: criteria provided, multiple submitters, no conflicts (2 of 4 stars). 2 submissions from 2 submitters: Uncertain significance (2). Last evaluated 2024-11-21.

Submissions (2):

Ambry Genetics
Classification: Uncertain significance. Last evaluated: 2024-11-21. Review status: criteria provided, single submitter. Criteria: Ambry Variant Classification Scheme 2023. Collection method: clinical testing. Allele origin: germline.

Labcorp Genetics (formerly Invitae), Labcorp
Classification: Uncertain significance. Last evaluated: 2023-01-15. Review status: criteria provided, single submitter. Criteria: Invitae Variant Classification Sherloc (09022015). Collection method: clinical testing. Allele origin: germline.
Comment: This variant is present in population databases (rs775106921, gnomAD 0.04%). This variant has not been reported in the literature in individuals affected with FOXI1-related conditions. ClinVar contains an entry for this variant (Variation ID: 1396875). Advanced modeling of protein sequence and biophysical properties (such as structural, functional, and spatial information, amino acid conservation, physicochemical variation, residue mobility, and thermodynamic stability) performed at Invitae indicates that this missense variant is not expected to disrupt FOXI1 protein function. In summary, the available evidence is currently insufficient to determine the role of this variant in disease. Therefore, it has been classified as a Variant of Uncertain Significance. This sequence change replaces glycine, which is neutral and non-polar, with serine, which is neutral and polar, at codon 78 of the FOXI1 protein (p.Gly78Ser).

NM_012188.5(FOXI1):c.232G>A (p.Gly78Ser)

Gene: FOXI1 (forkhead box I1; plus strand). Cytogenetic location: 5q35.1.
Variant type: single nucleotide variant.
Coding change: c.232G>A on transcript NM_012188.5 (MANE Select); coding-DNA position 232, G replaced by A.
Protein change: p.Gly78Ser; replaces glycine 78 with serine.
Molecular consequence: missense variant.
Genome position (GRCh38, 1-based): chr5:170,106,189, G>A. VCF-style: chr5-170106189-G-A. GRCh37 (hg19) VCF-style: chr5-169533193-G-A.
Other names: c.232G>A (NM_012188.4); c.232G>A, p.Gly78Ser (NM_144769.4); short protein forms G78S.
Identifiers: ClinVar variation 1396875 (VCV001396875.7), dbSNP rs775106921, ClinGen allele CA3554986.